The following is an entry in ClinVar:

NM_000535.7(PMS2):c.2319T>C (p.Ser773=)

Gene: PMS2 (PMS1 homolog 2, mismatch repair system component; minus strand). Cytogenetic location: 7p22.1.
Variant type: single nucleotide variant.
Coding change: c.2319T>C on transcript NM_000535.7 (MANE Select); coding-DNA position 2319, T replaced by C.
Protein change: p.Ser773=; no amino-acid change (serine 773 retained).
Molecular consequence: synonymous variant. On other transcripts: non-coding transcript variant (1).
Genome position (GRCh38, 1-based): chr7:5,977,714, A>G on the plus strand (T>C on the coding strand, the complement: PMS2 is on the minus strand). VCF-style: chr7-5977714-A-G. GRCh37 (hg19) VCF-style: chr7-6017345-A-G.
Other names: c.1914T>C, p.Ser638= (NM_001322003.2, NM_001322004.2, NM_001322005.2); c.2163T>C, p.Ser721= (NM_001322006.2); c.2001T>C, p.Ser667= (NM_001322007.2, NM_001322008.2); c.1947T>C, p.Ser649= (NM_001322009.2); c.1758T>C, p.Ser586= (NM_001322010.2); c.1386T>C, p.Ser462= (NM_001322011.2, NM_001322012.2); c.1746T>C, p.Ser582= (NM_001322013.2); c.2352T>C, p.Ser784= (NM_001322014.2); and 1 more.
Identifiers: ClinVar variation 1122879 (VCV001122879.12), dbSNP rs1298578676, ClinGen allele CA453642449.

ClinVar aggregate classification (germline): Benign/Likely benign. Review status: criteria provided, multiple submitters, no conflicts (2 of 4 stars). 3 submissions from 3 submitters: Benign (1); Likely benign (2). Last evaluated 2025-10-26.

Conditions:
Hereditary cancer-predisposing syndrome. Also called: Hereditary neoplastic syndrome; Neoplastic Syndromes, Hereditary; Tumor predisposition; Hereditary Cancer Syndrome. Identifiers: Orphanet 140162, MedGen C0027672, MeSH D009386, MONDO:0015356.
Lynch syndrome 4 (LYNCH4). Also called: Colorectal cancer, hereditary nonpolyposis, type 4; Hereditary non-polyposis colorectal cancer, type 4. Identifiers: Orphanet 144, MedGen C1838333, MONDO:0013699, OMIM 614337. Disease mechanism: loss of function.
Hereditary nonpolyposis colorectal neoplasms. Identifiers: MedGen C0009405, MeSH D003123.

Allele frequency attached by ClinVar (database versions not stated): gnomAD exomes below 0.00001.
gnomAD v4.1: 1 of 1,606,616 alleles (0.000062%); highest among the groups gnomAD compares: African/African-American, 0.0013%; no homozygotes.

Submissions (3):

Labcorp Genetics (formerly Invitae), Labcorp
Classification: Likely benign for Hereditary nonpolyposis colorectal neoplasms. Last evaluated: 2025-10-26. Review status: criteria provided, single submitter. Criteria: Invitae Variant Classification Sherloc (09022015). Collection method: clinical testing. Allele origin: germline.

Myriad Genetics, Inc.
Classification: Benign for Lynch syndrome 4. Last evaluated: 2025-02-04. Review status: criteria provided, single submitter. Criteria: Myriad Autosomal Dominant, Autosomal Recessive and X-Linked Classification Criteria (2023). Collection method: clinical testing. Allele origin: unknown.
Comment: This variant is considered benign. This variant is a silent/synonymous amino acid change and it is not expected to impact splicing.

Ambry Genetics
Classification: Likely benign for Hereditary cancer-predisposing syndrome. Last evaluated: 2021-09-23. Review status: criteria provided, single submitter. Criteria: Ambry Variant Classification Scheme 2023. Collection method: clinical testing. Allele origin: germline.